The following is an entry in ClinVar:

ClinVar aggregate classification (germline): Likely pathogenic (1 of 4 stars; one submission).

Submission:

GeneDx
Classification: Likely pathogenic. Last evaluated: 2017-09-05. Review status: criteria provided, single submitter. Criteria: GeneDx Variant Classification (06012015). Collection method: clinical testing. Allele origin: germline. Affected: yes.
Comment: The Y423X variant has not been published as a pathogenic variant, nor has it been reported as a benign variant to our knowledge. The Y423X variant is not observed in large population cohorts (Lek et al., 2016; 1000 Genomes Consortium et al., 2015; Exome Variant Server). The Y423X nonsense variant is predicted to cause loss of normal protein function through protein truncation. Specifically, it is predicted that the last 73 residues will be lost. In the absence of RNA/functional studies, the actual deleterious effect of this sequence change in this individual is unknown. In summary, this variant is likely pathogenic.

NM_001379200.1(TBX1):c.1296C>G (p.Tyr432Ter)

Gene: TBX1 (T-box transcription factor 1; plus strand). Cytogenetic location: 22q11.21.
Variant type: single nucleotide variant.
Coding change: c.1296C>G on transcript NM_001379200.1 (MANE Select); coding-DNA position 1296, C replaced by G.
Protein change: p.Tyr432Ter; replaces tyrosine 432 with a stop codon.
Molecular consequence: nonsense. On other transcripts: intron variant (2).
Genome position (GRCh38, 1-based): chr22:19,766,648, C>G. VCF-style: chr22-19766648-C-G. GRCh37 (hg19) VCF-style: chr22-19754171-C-G.
Other names: c.1269C>G, p.Tyr423Ter (NM_080647.1); c.1009+646C>G (NM_005992.1, NM_080646.2); short protein forms Y423*, Y432*.
Identifiers: ClinVar variation 451893 (VCV000451893.2), dbSNP rs1466435688, ClinGen allele CA410684880.